The following is an entry in ClinVar:

NM_001184880.2(PCDH19):c.1124A>T (p.Asp375Val)

Gene: PCDH19 (protocadherin 19; minus strand). Cytogenetic location: Xq22.1.
Variant type: single nucleotide variant.
Coding change: c.1124A>T on transcript NM_001184880.2 (MANE Select); coding-DNA position 1124, A replaced by T.
Protein change: p.Asp375Val; replaces aspartic acid 375 with valine.
Molecular consequence: missense variant.
Genome position (GRCh38, 1-based): chrX:100,407,474, T>A on the plus strand (A>T on the coding strand, the complement: PCDH19 is on the minus strand). VCF-style: chrX-100407474-T-A. GRCh37 (hg19) VCF-style: chrX-99662472-T-A.
Other names: NC_000023.11(NM_020766.3):c.1124A>T; NM_020766.3(NP_065817.2):p.(Asp375Val); NM_020766.3(PCDH19):p.(Asp375Val); c.1124A>T, p.Asp375Val (NM_001105243.2, NM_020766.3); short protein forms D375V.
Identifiers: ClinVar variation 1333722 (VCV001333722.1), dbSNP rs2147539571, ClinGen allele CA414004107.

ClinVar aggregate classification (germline): Likely pathogenic (1 of 4 stars; one submission).

Conditions:
Bilateral tonic-clonic seizure. Also called: Generalized tonic-clonic seizures. Identifiers: MedGen C0494475, HP:0002069.

Submission:

Experimental Epileptology, AG Lerche, Hertie Institute for Clinical Brain Research
Classification: Likely pathogenic for Bilateral tonic-clonic seizure. Last evaluated: 2022-01-02. Review status: criteria provided, single submitter. Criteria: ACMG Guidelines, 2015. Collection method: research. Allele origin: unknown. Affected: yes.
Comment: ACMG/AMP criteria: PM1, PM2, PM5, PP3, BS4